The following is an entry in ClinVar:

ClinVar aggregate classification (germline): Uncertain significance. Review status: criteria provided, multiple submitters, no conflicts (2 of 4 stars). 2 submissions from 2 submitters: Uncertain significance (2). Last evaluated 2025-06-18.

Conditions:
Inborn genetic diseases. Identifiers: MedGen C0950123, MeSH D030342.
ANK1-related disorder. Also called: ANK1-related condition.

gnomAD v4.1: 18 of 1,613,844 alleles (0.0011%); highest among the groups gnomAD compares: African/African-American, 0.0013%; no homozygotes.

Submissions (2):

Ambry Genetics
Classification: Uncertain significance for Inborn genetic diseases. Last evaluated: 2025-06-18. Review status: criteria provided, single submitter. Criteria: Ambry Variant Classification Scheme 2023. Collection method: clinical testing. Allele origin: germline.

PreventionGenetics, part of Exact Sciences
Classification: Uncertain significance for ANK1-related condition. Last evaluated: 2025-01-28. Review status: criteria provided, single submitter. Criteria: ACMG Guidelines, 2015. Collection method: clinical testing. Allele origin: germline.
Comment: The ANK1 c.4471C>T variant is predicted to result in the amino acid substitution p.Arg1491Cys. To our knowledge, this variant has not been reported in the literature. This variant is reported in 0.0018% of alleles in individuals of European (Non-Finnish) descent in gnomAD. At this time, the clinical significance of this variant is uncertain due to the absence of conclusive functional and genetic evidence.

NM_000037.4(ANK1):c.4471C>T (p.Arg1491Cys)

Genes: ANK1 (ankyrin 1; minus strand), LOC126860368 (BRD4-independent group 4 enhancer GRCh37_chr8:41541049-41542248; plus strand). Cytogenetic location: 8p11.21.
Variant type: single nucleotide variant.
Coding change: c.4471C>T on transcript NM_000037.4 (MANE Select); coding-DNA position 4471, C replaced by T.
Protein change: p.Arg1491Cys; replaces arginine 1491 with cysteine.
Molecular consequence: missense variant.
Genome position (GRCh38, 1-based): chr8:41,684,610, G>A on the plus strand (C>T on the coding strand, the complement: ANK1 is on the minus strand). VCF-style: chr8-41684610-G-A. GRCh37 (hg19) VCF-style: chr8-41542128-G-A.
Other names: c.4594C>T, p.Arg1532Cys (NM_001142446.2); c.4471C>T, p.Arg1491Cys (NM_020475.3, NM_020476.3, NM_020477.3); c.4471C>T (NM_020476.2); short protein forms R1532C, R1491C.
Identifiers: ClinVar variation 4096088 (VCV004096088.2).
Genomic context (GRCh38, chr8:41,684,610, plus strand): 5'-TCTGGGAGGGTGACAGCGAGTAGTCGCGGTCGGTGTGCCGCCTGTCTGGCTTCAAGTTGC[G>A]GCTCTGTCGGCCGGAACCCTCCAGCATGTTCACGATCTCGCCACGGTCAATGCTCTGCAG-3'
Protein context (NP_000028.3, residues 1481-1501): NMLEGSGRQS[Arg1491Cys]NLKPDRRHTD